The following is an entry in ClinVar:

ClinVar aggregate classification (germline): Uncertain significance (1 of 4 stars; one submission).

Submission:

Labcorp Genetics (formerly Invitae), Labcorp
Classification: Uncertain significance. Last evaluated: 2024-06-02. Review status: criteria provided, single submitter. Criteria: Invitae Variant Classification Sherloc (09022015). Collection method: clinical testing. Allele origin: germline.
Comment: This sequence change replaces lysine, which is basic and polar, with glutamine, which is neutral and polar, at codon 510 of the TTC37 protein (p.Lys510Gln). This variant is not present in population databases (gnomAD no frequency). This variant has not been reported in the literature in individuals affected with TTC37-related conditions. An algorithm developed to predict the effect of missense changes on protein structure and function (PolyPhen-2) suggests that this variant is likely to be tolerated. In summary, the available evidence is currently insufficient to determine the role of this variant in disease. Therefore, it has been classified as a Variant of Uncertain Significance.

NM_014639.4(SKIC3):c.1528A>C (p.Lys510Gln)

Gene: SKIC3 (SKI3 subunit of superkiller complex; minus strand). Cytogenetic location: 5q15.
Variant type: single nucleotide variant.
Coding change: c.1528A>C on transcript NM_014639.4 (MANE Select); coding-DNA position 1528, A replaced by C.
Protein change: p.Lys510Gln; replaces lysine 510 with glutamine.
Molecular consequence: missense variant.
Genome position (GRCh38, 1-based): chr5:95,523,759, T>G on the plus strand (A>C on the coding strand, the complement: SKIC3 is on the minus strand). VCF-style: chr5-95523759-T-G. GRCh37 (hg19) VCF-style: chr5-94859463-T-G.
Other names: short protein forms K510Q.
Identifiers: ClinVar variation 3690963 (VCV003690963.2).